The following is an entry in ClinVar:

NM_001378454.1(ALMS1):c.11398T>C (p.Cys3800Arg)

Gene: ALMS1 (ALMS1 centrosome and basal body associated protein; plus strand). Cytogenetic location: 2p13.1.
Variant type: single nucleotide variant.
Coding change: c.11398T>C on transcript NM_001378454.1 (MANE Select); coding-DNA position 11398, T replaced by C.
Protein change: p.Cys3800Arg; replaces cysteine 3800 with arginine.
Molecular consequence: missense variant.
Genome position (GRCh38, 1-based): chr2:73,573,275, T>C. VCF-style: chr2-73573275-T-C. GRCh37 (hg19) VCF-style: chr2-73800402-T-C.
Other names: c.11401T>C, p.Cys3801Arg (NM_015120.4); short protein forms C3800R, C3801R.
Identifiers: ClinVar variation 1958418 (VCV001958418.5), dbSNP rs2466447507, ClinGen allele CA347289522.
Genomic context (GRCh38, chr2:73,573,275, plus strand): 5'-AGCTCTGTTTCCACTATTGACACTGCCCGGCTGATTCAAGCTTTTGGCCATGAAAGAGTA[T>C]GCTTGTCACCCAGACGAATTAAATTATATAGCAGCATCACCAACCAACAGAGGAGATACC-3'
Protein context (NP_001365383.1, residues 3790-3810): LIQAFGHERV[Cys3800Arg]LSPRRIKLYS

ClinVar aggregate classification (germline): Uncertain significance (1 of 4 stars; one submission).

Conditions:
Alstrom syndrome (ALMS). Identifiers: Orphanet 64, MedGen C0268425, MONDO:0008763, OMIM 203800.

Allele frequency attached by ClinVar (database versions not stated): gnomAD exomes below 0.00001.
gnomAD v4.1: 2 of 1,614,100 alleles (0.00012%); highest among the groups gnomAD compares: East Asian, 0.0045%; no homozygotes.

Submission:

Labcorp Genetics (formerly Invitae), Labcorp
Classification: Uncertain significance for Alstrom syndrome. Last evaluated: 2023-08-04. Review status: criteria provided, single submitter. Criteria: Invitae Variant Classification Sherloc (09022015). Collection method: clinical testing. Allele origin: germline.
Comment: In summary, the available evidence is currently insufficient to determine the role of this variant in disease. Therefore, it has been classified as a Variant of Uncertain Significance. Experimental studies and prediction algorithms are not available or were not evaluated, and the functional significance of this variant is currently unknown. ClinVar contains an entry for this variant (Variation ID: 1958418). This variant has not been reported in the literature in individuals affected with ALMS1-related conditions. This variant is not present in population databases (gnomAD no frequency). This sequence change replaces cysteine, which is neutral and slightly polar, with arginine, which is basic and polar, at codon 3801 of the ALMS1 protein (p.Cys3801Arg).